The following is an entry in ClinVar:

NM_015346.4(ZFYVE26):c.4108C>T (p.Leu1370Phe)

Gene: ZFYVE26 (zinc finger FYVE-type containing 26; minus strand). Cytogenetic location: 14q24.1.
Variant type: single nucleotide variant.
Coding change: c.4108C>T on transcript NM_015346.4 (MANE Select); coding-DNA position 4108, C replaced by T.
Protein change: p.Leu1370Phe; replaces leucine 1370 with phenylalanine.
Molecular consequence: missense variant.
Genome position (GRCh38, 1-based): chr14:67,783,044, G>A on the plus strand (C>T on the coding strand, the complement: ZFYVE26 is on the minus strand). VCF-style: chr14-67783044-G-A. GRCh37 (hg19) VCF-style: chr14-68249761-G-A.
Other names: short protein forms L1370F.
Identifiers: ClinVar variation 1878814 (VCV001878814.5), dbSNP rs377316317, ClinGen allele CA7239836.

ClinVar aggregate classification (germline): Uncertain significance. Review status: criteria provided, multiple submitters, no conflicts (2 of 4 stars). 2 submissions from 2 submitters: Uncertain significance (2). Last evaluated 2023-09-15.

Conditions:
Spastic paraplegia. Identifiers: MedGen C0037772, HP:0001258.

Allele frequency attached by ClinVar (database versions not stated): gnomAD exomes 0.00001; ExAC 0.00002; ESP Exome Variant Server 0.00008; gnomAD 0.00011; TOPMed 0.00012.

Submissions (2):

GeneDx
Classification: Uncertain significance. Last evaluated: 2023-09-15. Review status: criteria provided, single submitter. Criteria: GeneDx Variant Classification Process June 2021. Collection method: clinical testing. Allele origin: germline. Affected: yes.
Comment: In silico analysis supports that this missense variant does not alter protein structure/function; Has not been previously published as pathogenic or benign to our knowledge

Labcorp Genetics (formerly Invitae), Labcorp
Classification: Uncertain significance for Spastic paraplegia. Last evaluated: 2021-08-27. Review status: criteria provided, single submitter. Criteria: Invitae Variant Classification Sherloc (09022015). Collection method: clinical testing. Allele origin: germline.
Comment: This sequence change replaces leucine with phenylalanine at codon 1370 of the ZFYVE26 protein (p.Leu1370Phe). The leucine residue is moderately conserved and there is a small physicochemical difference between leucine and phenylalanine. This variant is present in population databases (rs377316317, ExAC 0.02%). This variant has not been reported in the literature in individuals affected with ZFYVE26-related conditions. Algorithms developed to predict the effect of missense changes on protein structure and function are either unavailable or do not agree on the potential impact of this missense change (SIFT: "Tolerated"; PolyPhen-2: "Probably Damaging"; Align-GVGD: "Class C0"). In summary, the available evidence is currently insufficient to determine the role of this variant in disease. Therefore, it has been classified as a Variant of Uncertain Significance.